The following is an entry in ClinVar:

NM_006767.4(LZTR1):c.20_21delinsA (p.Thr7fs)

Genes: LZTR1 (leucine zipper like post translational regulator 1; plus strand), LOC130067016 (ATAC-STARR-seq lymphoblastoid silent region 13504; plus strand). Cytogenetic location: 22q11.21.
Variant type: Indel.
Coding change: c.20_21delinsA on transcript NM_006767.4 (MANE Select); coding-DNA positions 20 to 21, CG replaced by A.
Protein change: p.Thr7fs; shifts the reading frame from threonine 7.
Molecular consequence: frameshift variant.
Genome position (GRCh38, 1-based): chr22:20,982,391-20,982,392, CG replaced by A. VCF-style: chr22-20982391-CG-A. GRCh37 (hg19) VCF-style: chr22-21336680-CG-A.
Other names: short protein forms T7fs.
Identifiers: ClinVar variation 3541707 (VCV003541707.1).

ClinVar aggregate classification (germline): Pathogenic (1 of 4 stars; one submission).

Conditions:
Hereditary cancer-predisposing syndrome. Also called: Hereditary Cancer Syndrome; Hereditary neoplastic syndrome; Tumor predisposition; Neoplastic Syndromes, Hereditary. Identifiers: Orphanet 140162, MedGen C0027672, MeSH D009386, MONDO:0015356.
Cardiovascular phenotype. Identifiers: MedGen CN230736.

Submission:

Ambry Genetics
Classification: Pathogenic for Cardiovascular phenotype; Hereditary cancer-predisposing syndrome. Last evaluated: 2024-11-25. Review status: criteria provided, single submitter. Criteria: Ambry Variant Classification Scheme 2023. Collection method: clinical testing. Allele origin: germline.
Comment: The c.20_21delCGinsA pathogenic mutation, located in coding exon 1 of the LZTR1 gene, results from the deletion of two nucleotides and insertion of one nucleotide causing a translational frameshift with a predicted alternate stop codon (p.T7Kfs*18). This alteration is expected to result in loss of function by premature protein truncation or nonsense-mediated mRNA decay. Loss-of-function variants in LZTR1 are related to an increased risk for schwannomas and autosomal recessive Noonan syndrome; however, such associations with autosomal dominant Noonan syndrome have not been observed (Piotrowski A et al. Nat Genet. 2014 Feb;46:182-7; Yamamoto GL et al. J Med Genet. 2015 Jun;52:413-21; Johnston JJ et al. Genet Med. 2018 10;20:1175-1185). Based on the supporting evidence, this variant is pathogenic for an increased risk of LZTR1-related schwannomatosis (SWN) and would be expected to cause autosomal recessive Noonan syndrome when present along with a second pathogenic or likely pathogenic variant on the other allele; however, the association of this alteration with autosomal dominant Noonan syndrome is unlikely.